The following is an entry in ClinVar:

ClinVar aggregate classification (germline): Likely benign. Review status: criteria provided, single submitter (1 of 4 stars). 2 submissions from 2 submitters: Likely benign (1). 1 of the submissions does not count toward it. Last evaluated 2024-04-16.

Conditions:
SUN1-related disorder. Also called: SUN1-related condition.
Emery-Dreifuss muscular dystrophy (EDMD). Also called: Scapuloperoneal syndrome, X-linked (formerly); Humeroperoneal neuromuscular disease, (formerly). Identifiers: Orphanet 261, MedGen C0410189, MONDO:0016830.

Allele frequency attached by ClinVar (database versions not stated): gnomAD 0.00004.
gnomAD v4.1: 63 of 1,614,002 alleles (0.0039%); highest among the groups gnomAD compares: Admixed American, 0.013%; no homozygotes.

Submissions (2):

Labcorp Genetics (formerly Invitae), Labcorp
Classification: Likely benign for Emery-Dreifuss muscular dystrophy. Last evaluated: 2024-04-16. Review status: criteria provided, single submitter. Criteria: Invitae Variant Classification Sherloc (09022015). Collection method: clinical testing. Allele origin: germline.

PreventionGenetics, part of Exact Sciences
Classification: Likely benign for SUN1-related condition. Last evaluated: 2020-02-04. Review status: no assertion criteria provided. Collection method: clinical testing. Allele origin: germline. Not counted in ClinVar's aggregate classification.
Comment: This variant is classified as likely benign based on ACMG/AMP sequence variant interpretation guidelines (Richards et al. 2015 PMID: 25741868, with internal and published modifications).

NM_001130965.3(SUN1):c.1902C>T (p.Tyr634=)

Gene: SUN1 (Sad1 and UNC84 domain containing 1; plus strand). Cytogenetic location: 7p22.3.
Variant type: single nucleotide variant.
Coding change: c.1902C>T on transcript NM_001130965.3 (MANE Select); coding-DNA position 1902, C replaced by T.
Protein change: p.Tyr634=; no amino-acid change (tyrosine 634 retained).
Molecular consequence: synonymous variant. On other transcripts: non-coding transcript variant (3).
Genome position (GRCh38, 1-based): chr7:865,989, C>T. VCF-style: chr7-865989-C-T. GRCh37 (hg19) VCF-style: chr7-905626-C-T.
Other names: c.1902C>T (NM_001130965.2); c.1593C>T, p.Tyr531= (NM_001171944.2); c.1902C>T, p.Tyr634= (NM_001367633.1, NM_001367634.1, NM_001367653.1); c.1551C>T, p.Tyr517= (NM_001367635.1); c.2142C>T, p.Tyr714= (NM_001367636.1, NM_001367691.1); c.2010C>T, p.Tyr670= (NM_001367638.1); c.1443C>T, p.Tyr481= (NM_001367639.1); c.2082C>T, p.Tyr694= (NM_001367640.1); and 44 more.
Identifiers: ClinVar variation 1140908 (VCV001140908.11), dbSNP rs770512687, ClinGen allele CA4112420.